The following is an entry in ClinVar:

NM_006612.6(KIF1C):c.328C>T (p.Arg110Ter)

Gene: KIF1C (kinesin family member 1C; plus strand). Cytogenetic location: 17p13.2.
Variant type: single nucleotide variant.
Coding change: c.328C>T on transcript NM_006612.6 (MANE Select); coding-DNA position 328, C replaced by T.
Protein change: p.Arg110Ter; replaces arginine 110 with a stop codon.
Molecular consequence: nonsense.
Genome position (GRCh38, 1-based): chr17:5,001,366, C>T. VCF-style: chr17-5001366-C-T. GRCh37 (hg19) VCF-style: chr17-4904661-C-T.
Other names: short protein forms R110*.
Identifiers: ClinVar variation 2413840 (VCV002413840.6), dbSNP rs774939814, ClinGen allele CA8318505.

ClinVar aggregate classification (germline): Pathogenic (1 of 4 stars; one submission).

Conditions:
Spastic ataxia 2. Also called: Ataxia, spastic, 2, autosomal recessive. Identifiers: Orphanet 397946, MedGen C1969796, MONDO:0012651, OMIM 611302.

Allele frequency attached by ClinVar (database versions not stated): gnomAD exomes below 0.00001; ExAC 0.00001.

Submission:

Labcorp Genetics (formerly Invitae), Labcorp
Classification: Pathogenic for Spastic ataxia 2. Last evaluated: 2025-11-24. Review status: criteria provided, single submitter. Criteria: Invitae Variant Classification Sherloc (09022015). Collection method: clinical testing. Allele origin: germline.
Comment: This sequence change creates a premature translational stop signal (p.Arg110*) in the KIF1C gene. It is expected to result in an absent or disrupted protein product. Loss-of-function variants in KIF1C are known to be pathogenic (PMID: 24319291, 24482476). This variant is present in population databases (rs774939814, gnomAD 0.0009%). This premature translational stop signal has been observed in individual(s) with clinical features of spastic paraplegia (PMID: 38587696). ClinVar contains an entry for this variant (Variation ID: 2413840). For these reasons, this variant has been classified as Pathogenic.

Literature cited by the submitters: PubMed 24319291; PubMed 24482476; PubMed 38587696.